The following is an entry in ClinVar:

ClinVar aggregate classification (germline): Uncertain significance (1 of 4 stars; one submission).

gnomAD v4.1: 10 of 1,613,938 alleles (0.00062%); highest among the groups gnomAD compares: East Asian, 0.0089%; 1 homozygote.

Submission:

Ambry Genetics
Classification: Uncertain significance. Last evaluated: 2025-11-15. Review status: criteria provided, single submitter. Criteria: Ambry Variant Classification Scheme 2023. Collection method: clinical testing. Allele origin: germline.
Comment: The p.R431Q variant (also known as c.1292G>A), located in coding exon 8 of the MYLK2 gene, results from a G to A substitution at nucleotide position 1292. The arginine at codon 431 is replaced by glutamine, an amino acid with highly similar properties. This amino acid position is conserved. In addition, the in silico prediction for this alteration is inconclusive. Based on the available evidence, the clinical significance of this variant remains unclear.

NM_033118.4(MYLK2):c.1292G>A (p.Arg431Gln)

Gene: MYLK2 (myosin light chain kinase 2; plus strand). Cytogenetic location: 20q11.21.
Variant type: single nucleotide variant.
Coding change: c.1292G>A on transcript NM_033118.4 (MANE Select); coding-DNA position 1292, G replaced by A.
Protein change: p.Arg431Gln; replaces arginine 431 with glutamine.
Molecular consequence: missense variant.
Genome position (GRCh38, 1-based): chr20:31,830,886, G>A. VCF-style: chr20-31830886-G-A. GRCh37 (hg19) VCF-style: chr20-30418689-G-A.
Other names: short protein forms R431Q.
Identifiers: ClinVar variation 4554937 (VCV004554937.1).
Genomic context (GRCh38, chr20:31,830,886, plus strand): 5'-ACATCCTGTGTGTCAACACCACCGGGCATTTGGTGAAGATCATTGACTTTGGCCTGGCAC[G>A]GAGGTACCACCTGGGTGGGTGGGGAGGGCAAGACAAGCCTCTGAGTTGGCAGGGGACAGG-3'
Protein context (NP_149109.1, residues 421-441): LVKIIDFGLA[Arg431Gln]RYNPNEKLKV